The following is an entry in ClinVar:

NM_002661.5(PLCG2):c.3730C>G (p.Leu1244Val)

Gene: PLCG2 (phospholipase C gamma 2; plus strand). Cytogenetic location: 16q23.3.
Variant type: single nucleotide variant.
Coding change: c.3730C>G on transcript NM_002661.5 (MANE Select); coding-DNA position 3730, C replaced by G.
Protein change: p.Leu1244Val; replaces leucine 1244 with valine.
Molecular consequence: missense variant.
Genome position (GRCh38, 1-based): chr16:81,956,854, C>G. VCF-style: chr16-81956854-C-G. GRCh37 (hg19) VCF-style: chr16-81990459-C-G.
Other names: c.3730C>G (NM_002661.3); short protein forms L1244V.
Identifiers: ClinVar variation 643069 (VCV000643069.8), dbSNP rs200800716, ClinGen allele CA8194811.

ClinVar aggregate classification (germline): Uncertain significance. Review status: criteria provided, multiple submitters, no conflicts (2 of 4 stars). 3 submissions from 3 submitters: Uncertain significance (3). Last evaluated 2026-01-24.

Conditions:
Familial cold autoinflammatory syndrome 3 (FCAS3). Also called: ANTIBODY DEFICIENCY AND IMMUNE DYSREGULATION, PLCG2-ASSOCIATED; FAMILIAL ATYPICAL COLD URTICARIA. Identifiers: Orphanet 300359, MedGen C3280914, MONDO:0013766, OMIM 614468.
PLCG2-related disorder. Also called: PLCG2-related condition.
Inborn genetic diseases. Identifiers: MedGen C0950123, MeSH D030342.

Allele frequency attached by ClinVar (database versions not stated): gnomAD 0.00001 and 0.00003; TOPMed 0.00003; ExAC 0.00010.
gnomAD v4.1: 126 of 1,613,854 alleles (0.0078%); highest among the groups gnomAD compares: South Asian, 0.051%; 1 homozygote.

Submissions (3):

Labcorp Genetics (formerly Invitae), Labcorp
Classification: Uncertain significance for Familial cold autoinflammatory syndrome 3. Last evaluated: 2026-01-24. Review status: criteria provided, single submitter. Criteria: Invitae Variant Classification Sherloc (09022015). Collection method: clinical testing. Allele origin: germline.
Comment: This sequence change replaces leucine, which is neutral and non-polar, with valine, which is neutral and non-polar, at codon 1244 of the PLCG2 protein (p.Leu1244Val). This variant is present in population databases (rs200800716, gnomAD 0.04%), and has an allele count higher than expected for a pathogenic variant. This variant has not been reported in the literature in individuals affected with PLCG2-related conditions. ClinVar contains an entry for this variant (Variation ID: 643069). An algorithm developed to predict the effect of missense changes on protein structure and function (PolyPhen-2) suggests that this variant is likely to be tolerated. In summary, the available evidence is currently insufficient to determine the role of this variant in disease. Therefore, it has been classified as a Variant of Uncertain Significance.

PreventionGenetics, part of Exact Sciences
Classification: Uncertain significance for PLCG2-related condition. Last evaluated: 2025-03-19. Review status: criteria provided, single submitter. Criteria: ACMG Guidelines, 2015. Collection method: clinical testing. Allele origin: germline.
Comment: The PLCG2 c.3730C>G variant is predicted to result in the amino acid substitution p.Leu1244Val. To our knowledge, this variant has not been reported in the literature. This variant is reported in 0.039% of alleles in individuals of South Asian descent in gnomAD, which may be too common to be causative. Although we suspect that this variant may be benign, at this time, the clinical significance of this variant is uncertain due to the absence of conclusive functional and genetic evidence.

Ambry Genetics
Classification: Uncertain significance for Inborn genetic diseases. Last evaluated: 2024-08-25. Review status: criteria provided, single submitter. Criteria: Ambry Variant Classification Scheme 2023. Collection method: clinical testing. Allele origin: germline.